The following is an entry in ClinVar:

NM_003073.5(SMARCB1):c.84C>G (p.Ile28Met)

Gene: SMARCB1 (SWI/SNF related BAF chromatin remodeling complex subunit B1; plus strand). Cytogenetic location: 22q11.23.
Variant type: single nucleotide variant.
Coding change: c.84C>G on transcript NM_003073.5 (MANE Select); coding-DNA position 84, C replaced by G.
Protein change: p.Ile28Met; replaces isoleucine 28 with methionine.
Molecular consequence: missense variant.
Genome position (GRCh38, 1-based): chr22:23,787,253, C>G. VCF-style: chr22-23787253-C-G. GRCh37 (hg19) VCF-style: chr22-24129440-C-G.
Other names: c.84C>G, p.Ile28Met (NM_001007468.3, NM_001317946.2, NM_001362877.2); short protein forms I28M.
Identifiers: ClinVar variation 1709002 (VCV001709002.2), dbSNP rs2517652847, ClinGen allele CA410930991.

ClinVar aggregate classification (germline): Uncertain significance (1 of 4 stars; one submission).

Conditions:
Intellectual disability, autosomal dominant 15 (CSS3). Also called: COFFIN-SIRIS SYNDROME 3. Identifiers: Orphanet 1465, MedGen C3553248, MONDO:0013820, OMIM 614608.

Submission:

MGZ Medical Genetics Center
Classification: Uncertain significance for Intellectual disability, autosomal dominant 15. Last evaluated: 2021-12-15. Review status: criteria provided, single submitter. Criteria: ACMG Guidelines, 2015. Collection method: clinical testing. Allele origin: germline. Affected: yes. Observed: 1 variant allele.
Comment: ACMG criteria applied: PM2_SUP, PP2, PP3